The following is an entry in ClinVar:

ClinVar aggregate classification (germline): Uncertain significance (1 of 4 stars; one submission).

gnomAD v4.1: 60 of 1,539,636 alleles (0.0039%); highest among the groups gnomAD compares: South Asian, 0.066%; no homozygotes.

Submission:

Ambry Genetics
Classification: Uncertain significance. Last evaluated: 2024-12-26. Review status: criteria provided, single submitter. Criteria: Ambry Variant Classification Scheme 2023. Collection method: clinical testing. Allele origin: germline.
Comment: The p.P137S variant (also known as c.409C>T), located in coding exon 1 of the WNK2 gene, results from a C to T substitution at nucleotide position 409. The proline at codon 137 is replaced by serine, an amino acid with similar properties. This amino acid position is conserved. In addition, this alteration is predicted to be tolerated by in silico analysis. Based on the available evidence, the clinical significance of this variant remains unclear.

NM_006648.4(WNK2):c.409C>T (p.Pro137Ser)

Gene: WNK2 (WNK lysine deficient protein kinase 2; plus strand). Cytogenetic location: 9q22.31.
Variant type: single nucleotide variant.
Coding change: c.409C>T on transcript NM_006648.4 (MANE Select); coding-DNA position 409, C replaced by T.
Protein change: p.Pro137Ser; replaces proline 137 with serine.
Molecular consequence: missense variant.
Genome position (GRCh38, 1-based): chr9:93,185,338, C>T. VCF-style: chr9-93185338-C-T. GRCh37 (hg19) VCF-style: chr9-95947620-C-T.
Other names: c.409C>T, p.Pro137Ser (NM_001282394.3); short protein forms P137S.
Identifiers: ClinVar variation 3816634 (VCV003816634.1).
Genomic context (GRCh38, chr9:93,185,338, plus strand): 5'-GAGCCCGTGGGCACGCAGGAGCCCGGCCCGGACCCCATCGCAGCCGCTGTCGAAACCGCG[C>T]CTGCCCCCGACGGCGGCCCCAGGGAGGAGGCGGCGGCGACCGTGAGGAAGGAGGATGAGG-3'
Protein context (NP_006639.3, residues 127-147): DPIAAAVETA[Pro137Ser]APDGGPREEA